The following is an entry in ClinVar:

NM_001563.4(IMPG1):c.2350G>A (p.Val784Ile)

Gene: IMPG1 (interphotoreceptor matrix proteoglycan 1; minus strand). Cytogenetic location: 6q14.1.
Variant type: single nucleotide variant.
Coding change: c.2350G>A on transcript NM_001563.4 (MANE Select); coding-DNA position 2350, G replaced by A.
Protein change: p.Val784Ile; replaces valine 784 with isoleucine.
Molecular consequence: missense variant.
Genome position (GRCh38, 1-based): chr6:75,922,133, C>T on the plus strand (G>A on the coding strand, the complement: IMPG1 is on the minus strand). VCF-style: chr6-75922133-C-T. GRCh37 (hg19) VCF-style: chr6-76631850-C-T.
Other names: c.2116G>A, p.Val706Ile (NM_001282368.2); c.2350G>A (NM_001563.2); short protein forms V706I, V784I.
Identifiers: ClinVar variation 946530 (VCV000946530.11), dbSNP rs576579238, ClinGen allele CA3897849.

ClinVar aggregate classification (germline): Conflicting classifications of pathogenicity. Review status: criteria provided, conflicting classifications (1 of 4 stars). 4 submissions from 4 submitters: Uncertain significance (2); Likely benign (2). Last evaluated 2025-12-18.

Conditions:
IMPG1-related disorder. Also called: IMPG1-related condition.

Allele frequency attached by ClinVar (database versions not stated): ExAC 0.00007; gnomAD exomes 0.00007 and 0.00008; TOPMed 0.00008; gnomAD 0.00011; 1000 Genomes Project 30x 0.00031; 1000 Genomes Project 0.00040.
gnomAD v4.1: 104 of 1,410,134 alleles (0.0074%); highest among the groups gnomAD compares: Admixed American, 0.031%; no homozygotes.

Submissions (4):

PreventionGenetics, part of Exact Sciences
Classification: Uncertain significance for IMPG1-related condition. Last evaluated: 2025-12-18. Review status: criteria provided, single submitter. Criteria: ACMG Guidelines, 2015. Collection method: clinical testing. Allele origin: germline.
Comment: The IMPG1 c.2350G>A variant is predicted to result in the amino acid substitution p.Val784Ile. To our knowledge, this variant has not been reported in individuals with IMPG1-related retinal disease. This variant is reported in 0.039% of alleles in individuals of Latino descent in gnomAD. At this time, the clinical significance of this variant is uncertain due to the absence of conclusive functional and genetic evidence.

Labcorp Genetics (formerly Invitae), Labcorp
Classification: Uncertain significance. Last evaluated: 2025-10-06. Review status: criteria provided, single submitter. Criteria: Invitae Variant Classification Sherloc (09022015). Collection method: clinical testing. Allele origin: germline.
Comment: This sequence change replaces valine, which is neutral and non-polar, with isoleucine, which is neutral and non-polar, at codon 784 of the IMPG1 protein (p.Val784Ile). This variant is present in population databases (rs576579238, gnomAD 0.04%). This variant has not been reported in the literature in individuals affected with IMPG1-related conditions. ClinVar contains an entry for this variant (Variation ID: 946530). An algorithm developed to predict the effect of missense changes on protein structure and function outputs the following: PolyPhen-2: "Benign". The isoleucine amino acid residue is found in multiple mammalian species, which suggests that this missense change does not adversely affect protein function. In summary, the available evidence is currently insufficient to determine the role of this variant in disease. Therefore, it has been classified as a Variant of Uncertain Significance.

Blueprint Genetics
Classification: Likely benign. Last evaluated: 2024-06-07. Review status: criteria provided, single submitter. Criteria: ACMG Guidelines, 2015. Collection method: clinical testing. Allele origin: germline.

Ambry Genetics
Classification: Likely benign. Last evaluated: 2021-11-15. Review status: criteria provided, single submitter. Criteria: Ambry Variant Classification Scheme 2023. Collection method: clinical testing. Allele origin: germline.